The following is an entry in ClinVar:

NM_005995.5(TBX10):c.869-7C>T

Gene: TBX10 (T-box transcription factor 10; minus strand). Cytogenetic location: 11q13.2.
Variant type: single nucleotide variant.
Coding change: c.869-7C>T on transcript NM_005995.5 (MANE Select); 7 bases into the intron before coding-DNA position 869, C replaced by T.
Molecular consequence: intron variant.
Genome position (GRCh38, 1-based): chr11:67,631,901, G>A on the plus strand (C>T on the coding strand, the complement: TBX10 is on the minus strand). VCF-style: chr11-67631901-G-A. GRCh37 (hg19) VCF-style: chr11-67399372-G-A.
Identifiers: ClinVar variation 3042490 (VCV003042490.2), dbSNP rs117949580, ClinGen allele CA6143818.
Genomic context (GRCh38, chr11:67,631,901, plus strand): 5'-GATGATGGAGCCAAGCAGGGGTCTTGGAGGTGGAAGCTGAAGCTTTGTTGGGGTCTGAGG[G>A]AGGAAATGAGTGGACTCTGGGCCTCCCATCGCATCCTCATCCCTCATCCCAGGCCTGCCC-3'

ClinVar aggregate classification (germline): Likely benign (0 of 4 stars; one submission).

Conditions:
TBX10-related disorder. Also called: TBX10-related condition.

Allele frequency attached by ClinVar (database versions not stated): gnomAD exomes 0.00008; gnomAD 0.00011; TOPMed 0.00014; ExAC 0.00035; 1000 Genomes Project 30x 0.00062; 1000 Genomes Project 0.00080.
gnomAD v4.1: 130 of 1,563,616 alleles (0.0083%); highest among the groups gnomAD compares: East Asian, 0.29%; no homozygotes.

Submission:

PreventionGenetics, part of Exact Sciences
Classification: Likely benign for TBX10-related condition. Last evaluated: 2024-06-06. Review status: no assertion criteria provided. Collection method: clinical testing. Allele origin: germline.
Comment: This variant is classified as likely benign based on ACMG/AMP sequence variant interpretation guidelines (Richards et al. 2015 PMID: 25741868, with internal and published modifications).